The following is an entry in ClinVar:

ClinVar aggregate classification (germline): Uncertain significance (1 of 4 stars; one submission).

Allele frequency attached by ClinVar (database versions not stated): ExAC 0.00001.
gnomAD v4.1: 18 of 1,614,124 alleles (0.0011%); highest among the groups gnomAD compares: Non-Finnish European, 0.000085%; no homozygotes.

Submission:

Labcorp Genetics (formerly Invitae), Labcorp
Classification: Uncertain significance. Last evaluated: 2022-07-19. Review status: criteria provided, single submitter. Criteria: Invitae Variant Classification Sherloc (09022015). Collection method: clinical testing. Allele origin: germline.
Comment: In summary, the available evidence is currently insufficient to determine the role of this variant in disease. Therefore, it has been classified as a Variant of Uncertain Significance. Algorithms developed to predict the effect of missense changes on protein structure and function are either unavailable or do not agree on the potential impact of this missense change (SIFT: "Deleterious"; PolyPhen-2: "Benign"; Align-GVGD: "Class C35"). This variant has not been reported in the literature in individuals affected with POLR3A-related conditions. This variant is present in population databases (rs771072276, gnomAD 0.06%). This sequence change replaces glutamic acid, which is acidic and polar, with aspartic acid, which is acidic and polar, at codon 536 of the POLR3A protein (p.Glu536Asp).

NM_007055.4(POLR3A):c.1608A>C (p.Glu536Asp)

Gene: POLR3A (RNA polymerase III subunit A; minus strand). Cytogenetic location: 10q22.3.
Variant type: single nucleotide variant.
Coding change: c.1608A>C on transcript NM_007055.4 (MANE Select); coding-DNA position 1608, A replaced by C.
Protein change: p.Glu536Asp; replaces glutamic acid 536 with aspartic acid.
Molecular consequence: missense variant.
Genome position (GRCh38, 1-based): chr10:78,010,505, T>G on the plus strand (A>C on the coding strand, the complement: POLR3A is on the minus strand). VCF-style: chr10-78010505-T-G. GRCh37 (hg19) VCF-style: chr10-79770263-T-G.
Other names: short protein forms E536D.
Identifiers: ClinVar variation 1990250 (VCV001990250.2), dbSNP rs771072276, ClinGen allele CA5571389.
Genomic context (GRCh38, chr10:78,010,505, plus strand): 5'-CTTTCAAGTGAACTTCACCAACCTACCTGTTAGAAAATCCTGAATAGCAGCAATCAGCGG[T>G]TCCCCATTCCTCGGGGTTACAAGATTTGCTTTAGTCTGTAGGAAAAGTAAGCGCAGTCAG-3'
Protein context (NP_008986.2, residues 526-546): KANLVTPRNG[Glu536Asp]PLIAAIQDFL